The following is an entry in ClinVar:

NM_001844.5(COL2A1):c.1934G>A (p.Gly645Asp)

Gene: COL2A1 (collagen type II alpha 1 chain; minus strand). Cytogenetic location: 12q13.11.
Variant type: single nucleotide variant.
Coding change: c.1934G>A on transcript NM_001844.5 (MANE Select); coding-DNA position 1934, G replaced by A.
Protein change: p.Gly645Asp; replaces glycine 645 with aspartic acid.
Molecular consequence: missense variant.
Genome position (GRCh38, 1-based): chr12:47,984,094, C>T on the plus strand (G>A on the coding strand, the complement: COL2A1 is on the minus strand). VCF-style: chr12-47984094-C-T. GRCh37 (hg19) VCF-style: chr12-48377877-C-T.
Other names: c.1727G>A, p.Gly576Asp (NM_033150.3); short protein forms G576D, G645D.
Identifiers: ClinVar variation 1204860 (VCV001204860.3), dbSNP rs1592214400, ClinGen allele CA384548802.
Genomic context (GRCh38, chr12:47,984,094, plus strand): 5'-CCCTCCCAGCCCCTGCCCCCAGGGCCACCTGGGGAGGCTGGGCAGGTACTTACAGCAGGG[C>T]CAGGGGGTCCTGCAGCACCTGTCTCACCATCTTTGCCAGGAAGACCCTAGACAGAAGAGA-3'
Protein context (NP_001835.3, residues 635-655): DGETGAAGPP[Gly645Asp]PAGPAGERGE

ClinVar aggregate classification (germline): Pathogenic (1 of 4 stars; one submission).

Submission:

GeneDx
Classification: Pathogenic. Last evaluated: 2019-09-30. Review status: criteria provided, single submitter. Criteria: GeneDx Variant Classification Process June 2021. Collection method: clinical testing. Allele origin: germline. Affected: yes.
Comment: Occurs in the triple helical domain and replaces the Glycine in the canonical Gly-X-Y repeat; missense substitutions of a canonical Glycine residue is expected to disrupt normal protein folding and function, and this is an established mechanism of disease; Not observed in large population cohorts (Lek et al., 2016); In silico analysis, which includes protein predictors and evolutionary conservation, supports a deleterious effect; Has not been previously published as pathogenic or benign to our knowledge